The following is an entry in ClinVar:

NM_002857.4(PEX19):c.488A>G (p.Asp163Gly)

Gene: PEX19 (peroxisomal biogenesis factor 19; minus strand). Cytogenetic location: 1q23.2.
Variant type: single nucleotide variant.
Coding change: c.488A>G on transcript NM_002857.4 (MANE Select); coding-DNA position 488, A replaced by G.
Protein change: p.Asp163Gly; replaces aspartic acid 163 with glycine.
Molecular consequence: missense variant. On other transcripts: non-coding transcript variant (2).
Genome position (GRCh38, 1-based): chr1:160,282,145, T>C on the plus strand (A>G on the coding strand, the complement: PEX19 is on the minus strand). VCF-style: chr1-160282145-T-C. GRCh37 (hg19) VCF-style: chr1-160251935-T-C.
Other names: c.488A>G, p.Asp163Gly (NM_001193644.1); c.488A>G (NM_002857.3); short protein forms D163G.
Identifiers: ClinVar variation 1396499 (VCV001396499.4), dbSNP rs138174625, ClinGen allele CA1197341.
Genomic context (GRCh38, chr1:160,282,145, plus strand): 5'-AGTAGGTTCTGCATAATACTCTGCATGATGGGGAGGATGTTCCCTTCCCCATCCCCTTCG[T>C]CCATGCCTAGCCCCTCCATGGCCTTGGTCAGCTCTTCTTCCGACATGCTGGAGTTCTAGA-3'
Protein context (NP_002848.1, residues 153-173): LTKAMEGLGM[Asp163Gly]EGDGEGNILP

ClinVar aggregate classification (germline): Uncertain significance. Review status: criteria provided, multiple submitters, no conflicts (2 of 4 stars). 2 submissions from 2 submitters: Uncertain significance (2). Last evaluated 2025-02-03.

Conditions:
Inborn genetic diseases. Identifiers: MedGen C0950123, MeSH D030342.
Peroxisome biogenesis disorder 12A (Zellweger). Also called: Peroxisome biogenesis disorder 12A. Identifiers: Orphanet 912, MedGen C3554002, MONDO:0013951, OMIM 614886.

Allele frequency attached by ClinVar (database versions not stated): gnomAD exomes below 0.00001 and 0.00001; ExAC 0.00002; gnomAD 0.00005 and 0.00006; TOPMed 0.00006; ESP Exome Variant Server 0.00008.

Submissions (2):

Ambry Genetics
Classification: Uncertain significance for Inborn genetic diseases. Last evaluated: 2025-02-03. Review status: criteria provided, single submitter. Criteria: Ambry Variant Classification Scheme 2023. Collection method: clinical testing. Allele origin: germline.

Labcorp Genetics (formerly Invitae), Labcorp
Classification: Uncertain significance for Peroxisome biogenesis disorder 12A (Zellweger). Last evaluated: 2022-08-16. Review status: criteria provided, single submitter. Criteria: Invitae Variant Classification Sherloc (09022015). Collection method: clinical testing. Allele origin: germline.
Comment: This sequence change replaces aspartic acid, which is acidic and polar, with glycine, which is neutral and non-polar, at codon 163 of the PEX19 protein (p.Asp163Gly). This variant is present in population databases (rs138174625, gnomAD 0.02%). This variant has not been reported in the literature in individuals affected with PEX19-related conditions. ClinVar contains an entry for this variant (Variation ID: 1396499). Algorithms developed to predict the effect of missense changes on protein structure and function (SIFT, PolyPhen-2, Align-GVGD) all suggest that this variant is likely to be tolerated. In summary, the available evidence is currently insufficient to determine the role of this variant in disease. Therefore, it has been classified as a Variant of Uncertain Significance.